The following is an entry in ClinVar:

NM_001042492.3(NF1):c.6584A>T (p.Glu2195Val)

Gene: NF1 (neurofibromin 1; plus strand). Cytogenetic location: 17q11.2.
Variant type: single nucleotide variant.
Coding change: c.6584A>T on transcript NM_001042492.3 (MANE Select); coding-DNA position 6584, A replaced by T.
Protein change: p.Glu2195Val; replaces glutamic acid 2195 with valine.
Molecular consequence: missense variant.
Genome position (GRCh38, 1-based): chr17:31,337,524, A>T. VCF-style: chr17-31337524-A-T. GRCh37 (hg19) VCF-style: chr17-29664542-A-T.
Other names: c.6521A>T, p.Glu2174Val (NM_000267.4); short protein forms E2174V, E2195V.
Identifiers: ClinVar variation 4615740 (VCV004615740.1).

ClinVar aggregate classification (germline): Uncertain significance (1 of 4 stars; one submission).

Conditions:
Cardiovascular phenotype. Identifiers: MedGen CN230736.
Hereditary cancer-predisposing syndrome. Also called: Neoplastic Syndromes, Hereditary; Tumor predisposition; Hereditary Cancer Syndrome; Hereditary neoplastic syndrome. Identifiers: Orphanet 140162, MedGen C0027672, MeSH D009386, MONDO:0015356.

Submission:

Ambry Genetics
Classification: Uncertain significance for Cardiovascular phenotype; Hereditary cancer-predisposing syndrome. Last evaluated: 2025-09-29. Review status: criteria provided, single submitter. Criteria: Ambry Variant Classification Scheme 2023. Collection method: clinical testing. Allele origin: germline.
Comment: The p.E2174V variant (also known as c.6521A>T), located in coding exon 42 of the NF1 gene, results from an A to T substitution at nucleotide position 6521. The glutamic acid at codon 2174 is replaced by valine, an amino acid with dissimilar properties. This amino acid position is conserved. In addition, the in silico prediction for this alteration is inconclusive. Based on the available evidence, the clinical significance of this variant remains unclear.